The following is an entry in ClinVar:

NM_001365276.2(TNXB):c.3763_3764delinsTA (p.Arg1255Tyr)

Gene: TNXB (tenascin XB; minus strand). Cytogenetic location: 6p21.33.
Variant type: Indel.
Coding change: c.3763_3764delinsTA on transcript NM_001365276.2 (MANE Select); coding-DNA positions 3763 to 3764, CG replaced by TA.
Protein change: p.Arg1255Tyr; replaces arginine 1255 with tyrosine.
Molecular consequence: missense variant.
Genome position (GRCh38, 1-based): chr6:32,081,646-32,081,647, CG replaced by TA on the plus strand (CG replaced by TA on the coding strand, the reverse complement: TNXB is on the minus strand). VCF-style: chr6-32081646-CG-TA. GRCh37 (hg19) VCF-style: chr6-32049423-CG-TA.
Other names: c.3763_3764delinsTA, p.Arg1255Tyr (NM_019105.8); short protein forms R1255Y.
Identifiers: ClinVar variation 1309229 (VCV001309229.2), dbSNP rs2127255245, ClinGen allele CA2573052669.

ClinVar aggregate classification (germline): Uncertain significance (1 of 4 stars; one submission).

Submission:

GeneDx
Classification: Uncertain significance. Last evaluated: 2019-10-08. Review status: criteria provided, single submitter. Criteria: GeneDx Variant Classification Process June 2021. Collection method: clinical testing. Allele origin: germline. Affected: yes.
Comment: Has not been previously published as pathogenic or benign to our knowledge; Not observed in large population cohorts (Lek et al., 2016); In silico analysis, which includes protein predictors and evolutionary conservation, supports that this variant does not alter protein structure/function